The following is an entry in ClinVar:

NM_001271.4(CHD2):c.2567A>G (p.Asp856Gly)

Gene: CHD2 (chromodomain helicase DNA binding protein 2; plus strand). Cytogenetic location: 15q26.1.
Variant type: single nucleotide variant.
Coding change: c.2567A>G on transcript NM_001271.4 (MANE Select); coding-DNA position 2567, A replaced by G.
Protein change: p.Asp856Gly; replaces aspartic acid 856 with glycine.
Molecular consequence: missense variant.
Genome position (GRCh38, 1-based): chr15:92,974,940, A>G. VCF-style: chr15-92974940-A-G. GRCh37 (hg19) VCF-style: chr15-93518170-A-G.
Other names: short protein forms D856G.
Identifiers: ClinVar variation 2736262 (VCV002736262.3), dbSNP rs864309541, ClinGen allele CA347823.
Genomic context (GRCh38, chr15:92,974,940, plus strand): 5'-GTCTGGATGGTTCCATCAAGGGAGAAATCCGAAAACAGGCACTGGACCACTTCAATGCAG[A>G]TGGGTCTGAGGTATACTATGCATGGCTTTGTTATTTGAGCAACTTGGGCTCTGCATCAAG-3'
Protein context (NP_001262.3, residues 846-866): RKQALDHFNA[Asp856Gly]GSEDFCFLLS

ClinVar aggregate classification (germline): Uncertain significance (1 of 4 stars; one submission).

Conditions:
Developmental and epileptic encephalopathy 94 (DEE94). Also called: Epileptic encephalopathy, childhood-onset; CHD2-Related Neurodevelopmental Disorders. Identifiers: Orphanet 1942, Orphanet 2382, MedGen C3809278, MONDO:0014150, OMIM 615369.

Submission:

Labcorp Genetics (formerly Invitae), Labcorp
Classification: Uncertain significance for Developmental and epileptic encephalopathy 94. Last evaluated: 2023-02-09. Review status: criteria provided, single submitter. Criteria: Invitae Variant Classification Sherloc (09022015). Collection method: clinical testing. Allele origin: germline.
Comment: In summary, the available evidence is currently insufficient to determine the role of this variant in disease. Therefore, it has been classified as a Variant of Uncertain Significance. Algorithms developed to predict the effect of sequence changes on RNA splicing suggest that this variant may disrupt the consensus splice site. Advanced modeling of protein sequence and biophysical properties (such as structural, functional, and spatial information, amino acid conservation, physicochemical variation, residue mobility, and thermodynamic stability) performed at Invitae indicates that this missense variant is not expected to disrupt CHD2 protein function. This missense change has been observed in individual(s) with clinical features of CHD2-related conditions (PMID: 22495311, 24859339, 31332282, 31785789). This variant is not present in population databases (gnomAD no frequency). This sequence change replaces aspartic acid, which is acidic and polar, with glycine, which is neutral and non-polar, at codon 856 of the CHD2 protein (p.Asp856Gly).

Literature cited by the submitters: PubMed 22495311; PubMed 24859339; PubMed 31332282; PubMed 31785789.